The following is an entry in ClinVar:

NM_130384.3(ATRIP):c.2195A>G (p.Gln732Arg)

Genes: ATRIP (ATR interacting protein; plus strand), ATRIP-TREX1 (ATRIP-TREX1 readthrough; plus strand). Cytogenetic location: 3p21.31.
Variant type: single nucleotide variant.
Coding change: c.2195A>G on transcript NM_130384.3 (MANE Select); coding-DNA position 2195, A replaced by G.
Protein change: p.Gln732Arg; replaces glutamine 732 with arginine.
Molecular consequence: missense variant. On other transcripts: non-coding transcript variant (1).
Genome position (GRCh38, 1-based): chr3:48,464,970, A>G. VCF-style: chr3-48464970-A-G. GRCh37 (hg19) VCF-style: chr3-48506369-A-G.
Other names: c.1814A>G, p.Gln605Arg (NM_001271022.2); c.1916A>G, p.Gln639Arg (NM_001271023.2); c.2114A>G, p.Gln705Arg (NM_032166.4); short protein forms Q639R, Q705R, Q732R, Q605R.
Identifiers: ClinVar variation 4842162 (VCV004842162.1).

ClinVar aggregate classification (germline): Uncertain significance (1 of 4 stars; one submission).

gnomAD v4.1: 6 of 1,614,164 alleles (0.00037%); highest among the groups gnomAD compares: Non-Finnish European, 0.00042%; no homozygotes.

Submission:

Ambry Genetics
Classification: Uncertain significance. Last evaluated: 2025-12-21. Review status: criteria provided, single submitter. Criteria: Ambry Variant Classification Scheme 2023. Collection method: clinical testing. Allele origin: germline.
Comment: The p.Q732R variant (also known as c.2195A>G), located in coding exon 12 of the ATRIP gene, results from an A to G substitution at nucleotide position 2195. The glutamine at codon 732 is replaced by arginine, an amino acid with highly similar properties. This amino acid position is conserved. In addition, this alteration is predicted to be tolerated by in silico analysis. Based on the available evidence, the clinical significance of this variant remains unclear.